The following is an entry in ClinVar:

NM_145239.3(PRRT2):c.46G>A (p.Glu16Lys)

Genes: MVP-DT (MVP divergent transcript; minus strand), PRRT2 (proline rich transmembrane protein 2; plus strand). Cytogenetic location: 16p11.2.
Variant type: single nucleotide variant.
Coding change: c.46G>A on transcript NM_145239.3 (MANE Select); coding-DNA position 46, G replaced by A.
Protein change: p.Glu16Lys; replaces glutamic acid 16 with lysine.
Molecular consequence: missense variant.
Genome position (GRCh38, 1-based): chr16:29,813,100, G>A. VCF-style: chr16-29813100-G-A. GRCh37 (hg19) VCF-style: chr16-29824421-G-A.
Other names: c.46G>A, p.Glu16Lys (NM_001256442.2, NM_001256443.2); short protein forms E16K.
Identifiers: ClinVar variation 862416 (VCV000862416.9), dbSNP rs777959783, ClinGen allele CA7994467.

ClinVar aggregate classification (germline): Uncertain significance (1 of 4 stars; one submission).

Conditions:
Episodic kinesigenic dyskinesia (EKD). Also called: Paroxysmal kinesigenic dyskinesia. Identifiers: Orphanet 98809, MedGen C1868682, MONDO:0044202.

Allele frequency attached by ClinVar (database versions not stated): ExAC 0.00001; gnomAD 0.00001; gnomAD exomes 0.00001 and below 0.00001; TOPMed 0.00002.

Submission:

Labcorp Genetics (formerly Invitae), Labcorp
Classification: Uncertain significance for Episodic kinesigenic dyskinesia. Last evaluated: 2024-10-25. Review status: criteria provided, single submitter. Criteria: Invitae Variant Classification Sherloc (09022015). Collection method: clinical testing. Allele origin: germline.
Comment: This sequence change replaces glutamic acid, which is acidic and polar, with lysine, which is basic and polar, at codon 16 of the PRRT2 protein (p.Glu16Lys). This variant is present in population databases (rs777959783, gnomAD 0.003%). This variant has not been reported in the literature in individuals affected with PRRT2-related conditions. ClinVar contains an entry for this variant (Variation ID: 862416). Invitae Evidence Modeling of protein sequence and biophysical properties (such as structural, functional, and spatial information, amino acid conservation, physicochemical variation, residue mobility, and thermodynamic stability) indicates that this missense variant is not expected to disrupt PRRT2 protein function with a negative predictive value of 95%. In summary, the available evidence is currently insufficient to determine the role of this variant in disease. Therefore, it has been classified as a Variant of Uncertain Significance.